The following is an entry in ClinVar:

NM_001015880.2(PAPSS2):c.381+24_381+25insAAAAAAAAAAAAAAAAAAAAAAA

Gene: PAPSS2 (3'-phosphoadenosine 5'-phosphosulfate synthase 2; plus strand). Cytogenetic location: 10q23.31.
Variant type: Insertion.
Coding change: c.381+24_381+25insAAAAAAAAAAAAAAAAAAAAAAA on transcript NM_001015880.2 (MANE Select); bases 24 to 25 of the intron after coding-DNA position 381, AAAAAAAAAAAAAAAAAAAAAAA inserted.
Molecular consequence: intron variant.
Genome position: GRCh38 VCF-style: chr10-87713312-T-TAAAAAAAAAAAAAAAAAAAAAAA. GRCh37 (hg19) VCF-style: chr10-89473069-T-TAAAAAAAAAAAAAAAAAAAAAAA.
Other names: c.381+24_381+25insAAAAAAAAAAAAAAAAAAAAAAA (NM_004670.4).
Identifiers: ClinVar variation 4681562 (VCV004681562.5).
Genomic context (GRCh38, chr10:87,713,312, plus strand): 5'-AGCTGTTTGCTGATGCTGGTCTGGTCTGCATTACCAGCTTTATTTCTCCATTCGCAAAGG[T>TAAAAAAAAAAAAAAAAAAAAAAA]AAAAAAAAAAAAAAAAAAAAAAGGCACTACACACGATTCCCACACACAGTGCAAGTGCTC-3'

ClinVar aggregate classification (germline): Likely benign (1 of 4 stars; one submission).

Submission:

CeGaT Center for Human Genetics Tuebingen
Classification: Likely benign. Last evaluated: 2026-01-01. Review status: criteria provided, single submitter. Criteria: CeGaT Center For Human Genetics Tuebingen Variant Classification Criteria Version 2. Collection method: clinical testing. Allele origin: germline. Affected: yes. Observed: 2 variant alleles.
Comment: PAPSS2: BS2